The following is an entry in ClinVar:

ClinVar aggregate classification (germline): Uncertain significance. Review status: criteria provided, multiple submitters, no conflicts (2 of 4 stars). 3 submissions from 3 submitters: Uncertain significance (3). Last evaluated 2025-01-13.

Conditions:
Epidermolysis bullosa simplex 5B, with muscular dystrophy (EBS5B). Also called: Epidermolysis bullosa simplex with muscular dystrophy; EPIDERMOLYSIS BULLOSA SIMPLEX AND LIMB-GIRDLE MUSCULAR DYSTROPHY. Identifiers: Orphanet 257, MedGen C2931072, MONDO:0009181, OMIM 226670.
Epidermolysis bullosa simplex 5C, with pyloric atresia (EBS5C). Also called: Epidermolysis bullosa simplex with pyloric atresia; PLEC-Related Epidermolysis Bullosa with Pyloric Atresia; PLEC1-Related Epidermolysis Bullosa with Pyloric Atresia. Identifiers: Orphanet 158684, MedGen C2677349, MONDO:0012807, OMIM 612138.
Epidermolysis bullosa simplex with nail dystrophy (EBS5D). Identifiers: MedGen C4225309, MONDO:0014661, OMIM 616487.
Autosomal recessive limb-girdle muscular dystrophy type 2Q (LGMDR17). Also called: MUSCULAR DYSTROPHY, LIMB-GIRDLE, AUTOSOMAL RECESSIVE 17. Identifiers: Orphanet 254361, MedGen C3150989, MONDO:0013390, OMIM 613723.
Epidermolysis bullosa simplex, Ogna type (EBS5A). Also called: Pidermolysis bullosa simplex 5A, Ogna type; EPIDERMOLYSIS BULLOSA SIMPLEX 5A, OGNA TYPE. Identifiers: Orphanet 79401, MedGen C0432317, MONDO:0007555, OMIM 131950.
Inborn genetic diseases. Identifiers: MedGen C0950123, MeSH D030342.

Allele frequency attached by ClinVar (database versions not stated): gnomAD exomes below 0.00001 and 0.00001; ExAC 0.00001; gnomAD 0.00001 and 0.00002; TOPMed 0.00001.
gnomAD v4.1: 19 of 1,604,684 alleles (0.0012%); highest among the groups gnomAD compares: East Asian, 0.0067%; no homozygotes.

Submissions (3):

Labcorp Genetics (formerly Invitae), Labcorp
Classification: Uncertain significance for Autosomal recessive limb-girdle muscular dystrophy type 2Q; Epidermolysis bullosa simplex, Ogna type; Epidermolysis bullosa simplex with nail dystrophy; Epidermolysis bullosa simplex 5C, with pyloric atresia; Epidermolysis bullosa simplex 5B, with muscular dystrophy. Last evaluated: 2025-01-13. Review status: criteria provided, single submitter. Criteria: Invitae Variant Classification Sherloc (09022015). Collection method: clinical testing. Allele origin: germline.
Comment: This sequence change replaces glycine, which is neutral and non-polar, with serine, which is neutral and polar, at codon 4252 of the PLEC protein (p.Gly4252Ser). The frequency data for this variant in the population databases is considered unreliable, as metrics indicate poor data quality at this position in the gnomAD database. This variant has not been reported in the literature in individuals affected with PLEC-related conditions. ClinVar contains an entry for this variant (Variation ID: 1355183). Invitae Evidence Modeling of protein sequence and biophysical properties (such as structural, functional, and spatial information, amino acid conservation, physicochemical variation, residue mobility, and thermodynamic stability) has been performed for this missense variant. However, the output from this modeling did not meet the statistical confidence thresholds required to predict the impact of this variant on PLEC protein function. In summary, the available evidence is currently insufficient to determine the role of this variant in disease. Therefore, it has been classified as a Variant of Uncertain Significance.

Ambry Genetics
Classification: Uncertain significance for Inborn genetic diseases. Last evaluated: 2023-04-11. Review status: criteria provided, single submitter. Criteria: Ambry Variant Classification Scheme 2023. Collection method: clinical testing. Allele origin: germline.

Revvity Omics, Revvity
Classification: Uncertain significance. Last evaluated: 2019-07-17. Review status: criteria provided, single submitter. Criteria: ACMG Guidelines, 2015. Collection method: clinical testing. Allele origin: germline.

NM_201384.3(PLEC):c.12673G>A (p.Gly4225Ser)

Gene: PLEC (plectin; minus strand). Cytogenetic location: 8q24.3.
Variant type: single nucleotide variant.
Coding change: c.12673G>A on transcript NM_201384.3 (MANE Select); coding-DNA position 12673, G replaced by A.
Protein change: p.Gly4225Ser; replaces glycine 4225 with serine.
Molecular consequence: missense variant.
Genome position (GRCh38, 1-based): chr8:143,917,148, C>T on the plus strand (G>A on the coding strand, the complement: PLEC is on the minus strand). VCF-style: chr8-143917148-C-T. GRCh37 (hg19) VCF-style: chr8-144991316-C-T.
Other names: c.12754G>A (NM_000445.3); c.12754G>A, p.Gly4252Ser (NM_000445.5); c.12631G>A, p.Gly4211Ser (NM_201378.4); c.12607G>A, p.Gly4203Ser (NM_201379.3); c.13084G>A, p.Gly4362Ser (NM_201380.4); c.12577G>A, p.Gly4193Ser (NM_201381.3); c.12673G>A, p.Gly4225Ser (NM_201382.4); c.12685G>A, p.Gly4229Ser (NM_201383.3); short protein forms G4193S, G4229S, G4252S, G4203S, G4211S, G4225S, G4362S.
Identifiers: ClinVar variation 1355183 (VCV001355183.9), dbSNP rs782770333, ClinGen allele CA4924018.